The following is an entry in ClinVar:

NM_001308093.3(GATA4):c.1149+4C>G

Gene: GATA4 (GATA binding protein 4). Cytogenetic location: 8p23.1.
Variant type: single nucleotide variant.
Coding change: c.1149+4C>G on transcript NM_001308093.3 (MANE Select); 4 bases into the intron after coding-DNA position 1149, C replaced by G.
Molecular consequence: intron variant.
Genome position (GRCh38, 1-based): chr8:11,757,087, C>G. VCF-style: chr8-11757087-C-G. GRCh37 (hg19) VCF-style: chr8-11614596-C-G.
Other names: c.528+4C>G (NM_001308094.2, NM_001374273.1); c.1146+4C>G (NM_002052.5); c.402+4C>G (NM_001374274.1).
Identifiers: ClinVar variation 4701673 (VCV004701673.1).
Genomic context (GRCh38, chr8:11,757,087, plus strand): 5'-ATCAAGACGGAGCCTGGCCTGTCATCTCACTACGGGCACAGCAGCTCCGTGTCCCAGGTA[C>G]GCGCCATGGCTGGGGCGCCAGGGCTGTTTGTGGGGAGGCCGACTGCAGAGTCCCAGAGGC-3'

ClinVar aggregate classification (germline): Uncertain significance (1 of 4 stars; one submission).

Conditions:
Atrioventricular septal defect 4 (AVSD4). Identifiers: MedGen C3280781, MONDO:0013747, OMIM 614430.

Submission:

Labcorp Genetics (formerly Invitae), Labcorp
Classification: Uncertain significance for Atrioventricular septal defect 4. Last evaluated: 2025-06-09. Review status: criteria provided, single submitter. Criteria: Invitae Variant Classification Sherloc (09022015). Collection method: clinical testing. Allele origin: germline.
Comment: This sequence change falls in intron 6 of the GATA4 gene. It does not directly change the encoded amino acid sequence of the GATA4 protein. It affects a nucleotide within the consensus splice site. This variant is not present in population databases (gnomAD no frequency). This variant has not been reported in the literature in individuals affected with GATA4-related conditions. Variants that disrupt the consensus splice site are a relatively common cause of aberrant splicing (PMID: 17576681, 9536098). Algorithms developed to predict the effect of sequence changes on RNA splicing suggest that this variant is not likely to affect RNA splicing. In summary, the available evidence is currently insufficient to determine the role of this variant in disease. Therefore, it has been classified as a Variant of Uncertain Significance.

Literature cited by the submitters: PubMed 17576681; PubMed 9536098.